The following is an entry in ClinVar:

NM_024649.5(BBS1):c.633del (p.Asp212fs)

Gene: BBS1 (Bardet-Biedl syndrome 1; plus strand). Cytogenetic location: 11q13.2.
Variant type: Deletion.
Coding change: c.633del on transcript NM_024649.5 (MANE Select); coding-DNA position 633, one base deleted (T; older notation c.633delT).
Protein change: p.Asp212fs; shifts the reading frame from aspartic acid 212.
Molecular consequence: frameshift variant.
Genome position (GRCh38, 1-based): chr11:66,519,658, T deleted. VCF-style (leftmost placement, unchanged base first): chr11-66519657-CT-C. GRCh37 (hg19) VCF-style: chr11-66287128-CT-C.
Other names: short protein forms D212fs.
Identifiers: ClinVar variation 5015071 (VCV005015071.1).

ClinVar aggregate classification (germline): Pathogenic (1 of 4 stars; one submission).

Conditions:
Bardet-Biedl syndrome 1 (BBS1). Identifiers: MedGen C2936862, MONDO:0008854, OMIM 209900. Disease mechanism: loss of function.

Submission:

Myriad Genetics, Inc.
Classification: Pathogenic for Bardet-Biedl syndrome 1. Last evaluated: 2025-10-09. Review status: criteria provided, single submitter. Criteria: Myriad Autosomal Dominant, Autosomal Recessive and X-Linked Classification Criteria (2023). Collection method: clinical testing. Allele origin: unknown.
Comment: NM_024649.4(BBS1):c.633delT(D212Tfs*28) is expected to be pathogenic in the context of Bardet-Biedl syndrome, BBS1-related. This variant is predicted to lead to an abnormal or absent protein product due to the creation of a premature termination codon in BBS1, a gene where loss-of-function variants are known to be pathogenic. Please note: this variant was assessed in the context of healthy population screening.